The following is an entry in ClinVar:

NM_031885.5(BBS2):c.940A>G (p.Ile314Val)

Gene: BBS2 (Bardet-Biedl syndrome 2; minus strand). Cytogenetic location: 16q13.
Variant type: single nucleotide variant.
Coding change: c.940A>G on transcript NM_031885.5 (MANE Select); coding-DNA position 940, A replaced by G.
Protein change: p.Ile314Val; replaces isoleucine 314 with valine.
Molecular consequence: missense variant. On other transcripts: non-coding transcript variant (5).
Genome position (GRCh38, 1-based): chr16:56,502,673, T>C on the plus strand (A>G on the coding strand, the complement: BBS2 is on the minus strand). VCF-style: chr16-56502673-T-C. GRCh37 (hg19) VCF-style: chr16-56536585-T-C.
Other names: c.940A>G, p.Ile314Val (NM_001377456.1); c.940A>G (NM_031885.3); short protein forms I314V.
Identifiers: ClinVar variation 3028360 (VCV003028360.3), dbSNP rs2543713735, ClinGen allele CA395981021.
Genomic context (GRCh38, chr16:56,502,673, plus strand): 5'-ATTTTGACCCAATCAAATGGAAAACGTGACTTTTTAAGGATTTTTCTCATCCCAATTTAC[T>C]TTCCCCATCCACTGAGCAGCAGATTAACTGTATGTGGCCATCCATCCGGTAATCTCCCTC-3'
Protein context (NP_114091.4, residues 304-324): QLICCSVDGE[Ile314Val]RGYLPGTAEM

ClinVar aggregate classification (germline): Uncertain significance. Review status: criteria provided, multiple submitters, no conflicts (2 of 4 stars). 3 submissions from 3 submitters: Uncertain significance (2). 1 of the submissions does not count toward it. Last evaluated 2024-12-06.

Conditions:
Retinal dystrophy. Also called: Inherited retinal dystrophy. Identifiers: Orphanet 71862, MedGen C0854723, MeSH D058499, MONDO:0019118, HP:0000556.
BBS2-related disorder. Also called: BBS2-related condition; BBS2-related disorders. Identifiers: MedGen CN239228.
Bardet-Biedl syndrome 2 (BBS2). Identifiers: Orphanet 110, MedGen C2936863, MONDO:0014432, OMIM 615981.

Allele frequency attached by ClinVar (database versions not stated): gnomAD exomes below 0.00001.
gnomAD v4.1: 2 of 1,614,150 alleles (0.00012%); highest among the groups gnomAD compares: East Asian, 0.0022%; no homozygotes.

Submissions (3):

PreventionGenetics, part of Exact Sciences
Classification: Uncertain significance for BBS2-related condition. Last evaluated: 2024-12-06. Review status: criteria provided, single submitter. Criteria: ACMG Guidelines, 2015. Collection method: clinical testing. Allele origin: germline.
Comment: The BBS2 c.940A>G variant is predicted to result in the amino acid substitution p.Ile314Val. To our knowledge, this variant has not been reported in the literature or in a large population database (gnomAD), indicating this variant is rare. At this time, the clinical significance of this variant is uncertain due to the absence of conclusive functional and genetic evidence.

Dept Of Ophthalmology, Nagoya University
Classification: Uncertain significance for Retinal dystrophy. Last evaluated: 2023-10-01. Review status: criteria provided, single submitter. Criteria: Submitter's publication. Collection method: research. Allele origin: germline. Affected: yes.

Natera, Inc.
Classification: Uncertain significance for Bardet-Biedl syndrome type 2. Last evaluated: 2025-03-10. Review status: no assertion criteria provided. Collection method: clinical testing. Allele origin: germline. Not counted in ClinVar's aggregate classification.